The following is an entry in ClinVar:

NM_183357.3(ADCY5):c.395C>G (p.Pro132Arg)

Gene: ADCY5 (adenylate cyclase 5; minus strand). Cytogenetic location: 3q21.1.
Variant type: single nucleotide variant.
Coding change: c.395C>G on transcript NM_183357.3 (MANE Select); coding-DNA position 395, C replaced by G.
Protein change: p.Pro132Arg; replaces proline 132 with arginine.
Molecular consequence: missense variant.
Genome position (GRCh38, 1-based): chr3:123,448,151, G>C on the plus strand (C>G on the coding strand, the complement: ADCY5 is on the minus strand). VCF-style: chr3-123448151-G-C. GRCh37 (hg19) VCF-style: chr3-123166998-G-C.
Other names: c.395C>G, p.Pro132Arg (NM_001378259.1); short protein forms P132R.
Identifiers: ClinVar variation 1031780 (VCV001031780.1), dbSNP rs1455648014, ClinGen allele CA354358105.

ClinVar aggregate classification (germline): Uncertain significance (1 of 4 stars; one submission).

Conditions:
Dyskinesia with orofacial involvement, autosomal dominant (DSKOD). Also called: Familial dyskinesia and facial myokymia; Dyskinesia, familial, with facial myokymia; Familial Dyskinesia with Facial Myokymia (FDFM). Identifiers: Orphanet 324588, MedGen C1847627, MONDO:0800028, OMIM 606703.

Allele frequency attached by ClinVar (database versions not stated): gnomAD exomes 0.00001; TOPMed 0.00001; gnomAD 0.00002.
gnomAD v4.1: 13 of 1,039,154 alleles (0.0013%); highest among the groups gnomAD compares: Middle Eastern, 0.045%; no homozygotes.

Submission:

Baylor Genetics
Classification: Uncertain significance for Dyskinesia with orofacial involvement, autosomal dominant. Last evaluated: 2018-04-25. Review status: criteria provided, single submitter. Criteria: ACMG Guidelines, 2015. Collection method: clinical testing. Allele origin: unknown. Affected: yes.
Comment: This variant was determined to be of uncertain significance according to ACMG Guidelines, 2015 [PMID:25741868].